The following is an entry in ClinVar:

ClinVar aggregate classification (germline): Pathogenic (1 of 4 stars; one submission).

Conditions:
Leukodystrophy, hypomyelinating, 2. Also called: PELIZAEUS-MERZBACHER-LIKE DISEASE, 1. Identifiers: Orphanet 280270, Orphanet 280282, MedGen C1837355, MONDO:0012125, OMIM 608804.

gnomAD v4.1: 2 of 1,609,638 alleles (0.00012%); highest among the groups gnomAD compares: Non-Finnish European, 0.00017%; no homozygotes.

Submission:

Molecular Diagnostics Lab, Nemours Children's Health, Delaware
Classification: Pathogenic for Leukodystrophy, hypomyelinating, 2. Last evaluated: 2021-04-14. Review status: criteria provided, single submitter. Criteria: ACMG Guidelines, 2015. Collection method: clinical testing. Allele origin: paternal, maternal, unknown. Inheritance: Autosomal recessive inheritance. Affected: yes and no. Observed: 1 heterozygote, 2 compound heterozygotes. Clinical features observed: Hypertonia (HP:0001276), Nystagmus (HP:0000639), Cerebral hypomyelination (HP:0006808).
Comment: This nonsense variant (c.282C>G, p.Tyr94*) has been observed at extremely low frequency in population databases (gnomAD). It has not been reported in the literature.

NM_020435.4(GJC2):c.282C>G (p.Tyr94Ter)

Gene: GJC2 (gap junction protein gamma 2; plus strand). Cytogenetic location: 1q42.13.
Variant type: single nucleotide variant.
Coding change: c.282C>G on transcript NM_020435.4 (MANE Select); coding-DNA position 282, C replaced by G.
Protein change: p.Tyr94Ter; replaces tyrosine 94 with a stop codon.
Molecular consequence: nonsense.
Genome position (GRCh38, 1-based): chr1:228,158,040, C>G. VCF-style: chr1-228158040-C-G. GRCh37 (hg19) VCF-style: chr1-228345741-C-G.
Other names: short protein forms Y94*.
Identifiers: ClinVar variation 3338029 (VCV003338029.2).
Genomic context (GRCh38, chr1:228,158,040, plus strand): 5'-GTCGCACGTGCGCTTCTGGGTCTTCCAGATTGTGGTCATCTCCACGCCCTCGGTCATGTA[C>G]CTGGGCTACGCCGTGCACCGCCTGGCCCGTGCGTCTGAGCAGGAGCGGCGCCGCGCCCTC-3'